The following is an entry in ClinVar:

NM_000393.5(COL5A2):c.2006G>A (p.Gly669Glu)

Gene: COL5A2 (collagen type V alpha 2 chain; minus strand). Cytogenetic location: 2q32.2.
Variant type: single nucleotide variant.
Coding change: c.2006G>A on transcript NM_000393.5 (MANE Select); coding-DNA position 2006, G replaced by A.
Protein change: p.Gly669Glu; replaces glycine 669 with glutamic acid.
Molecular consequence: missense variant.
Genome position (GRCh38, 1-based): chr2:189,061,587, C>T on the plus strand (G>A on the coding strand, the complement: COL5A2 is on the minus strand). VCF-style: chr2-189061587-C-T. GRCh37 (hg19) VCF-style: chr2-189926313-C-T.
Other names: short protein forms G669E.
Identifiers: ClinVar variation 4881978 (VCV004881978.2).

ClinVar aggregate classification (germline): Uncertain significance (1 of 4 stars; one submission).

Conditions:
Ehlers-Danlos syndrome, classic type, 2 (EDSCL2). Also called: Ehlers-Danlos syndrome, type 2; Ehlers-Danlos syndrome type 2 (formerly); Ehlers-Danlos Syndrome, Classic Type, COL5A2-Related. Identifiers: Orphanet 287, Orphanet 90318, MedGen C0268336, MONDO:0019568, OMIM 130010.

Submission:

Dasa
Classification: Uncertain significance for Ehlers-Danlos syndrome, classic type, 2. Last evaluated: 2026-01-21. Review status: criteria provided, single submitter. Criteria: DASA Assertion Criteria. Collection method: clinical testing. Allele origin: germline.
Comment: NM_000393.5(COL5A2):c.2006G>A (p.Gly669Glu) is a missense variant that results in the substitution of glycine with glutamic acid. This variant is rare in population databases. Computational prediction algorithms are consistent with a deleterious effect. The currently available literature and clinical evidence are not sufficient to establish a definitive association between this variant and the reported condition. Therefore, this variant is classified as a variant of uncertain significance.